The following is an entry in ClinVar:

NM_020928.2(ZSWIM6):c.604G>A (p.Glu202Lys)

Gene: ZSWIM6 (zinc finger SWIM-type containing 6; plus strand). Cytogenetic location: 5q12.1.
Variant type: single nucleotide variant.
Coding change: c.604G>A on transcript NM_020928.2 (MANE Select); coding-DNA position 604, G replaced by A.
Protein change: p.Glu202Lys; replaces glutamic acid 202 with lysine.
Molecular consequence: missense variant.
Genome position (GRCh38, 1-based): chr5:61,332,876, G>A. VCF-style: chr5-61332876-G-A. GRCh37 (hg19) VCF-style: chr5-60628703-G-A.
Other names: c.604G>A (NM_020928.1); short protein forms E202K.
Identifiers: ClinVar variation 1393867 (VCV001393867.9), dbSNP rs1385497734, ClinGen allele CA359941047.

ClinVar aggregate classification (germline): Conflicting classifications of pathogenicity. Review status: criteria provided, conflicting classifications (1 of 4 stars). 2 submissions from 2 submitters: Uncertain significance (1); Likely benign (1). Last evaluated 2026-02-02.

Conditions:
ZSWIM6-related disorder. Also called: ZSWIM6-related condition.

Allele frequency attached by ClinVar (database versions not stated): gnomAD 0.00001.

Submissions (2):

PreventionGenetics, part of Exact Sciences
Classification: Likely benign for ZSWIM6-related condition. Last evaluated: 2026-02-02. Review status: criteria provided, single submitter. Criteria: ACMG Guidelines, 2015. Collection method: clinical testing. Allele origin: germline.
Comment: This variant is classified as likely benign based on ACMG/AMP sequence variant interpretation guidelines (Richards et al. 2015 PMID: 25741868, with internal and published modifications).

Labcorp Genetics (formerly Invitae), Labcorp
Classification: Uncertain significance. Last evaluated: 2022-07-06. Review status: criteria provided, single submitter. Criteria: Invitae Variant Classification Sherloc (09022015). Collection method: clinical testing. Allele origin: germline.
Comment: In summary, the available evidence is currently insufficient to determine the role of this variant in disease. Therefore, it has been classified as a Variant of Uncertain Significance. Algorithms developed to predict the effect of missense changes on protein structure and function (SIFT, PolyPhen-2, Align-GVGD) all suggest that this variant is likely to be tolerated. ClinVar contains an entry for this variant (Variation ID: 1393867). This variant has not been reported in the literature in individuals affected with ZSWIM6-related conditions. This variant is not present in population databases (gnomAD no frequency). This sequence change replaces glutamic acid, which is acidic and polar, with lysine, which is basic and polar, at codon 202 of the ZSWIM6 protein (p.Glu202Lys).